The following is an entry in ClinVar:

ClinVar aggregate classification (germline): Uncertain significance (0 of 4 stars; one submission).

Conditions:
MACF1-related disorder. Also called: MACF1-related condition.

Allele frequency attached by ClinVar (database versions not stated): gnomAD exomes 0.00001.
gnomAD v4.1: 11 of 1,614,046 alleles (0.00068%); highest among the groups gnomAD compares: Non-Finnish European, 0.00085%; no homozygotes.

Submission:

PreventionGenetics, part of Exact Sciences
Classification: Uncertain significance for MACF1-related condition. Last evaluated: 2023-11-17. Review status: no assertion criteria provided. Collection method: clinical testing. Allele origin: germline.
Comment: The MACF1 c.611C>T variant is predicted to result in the amino acid substitution p.Thr204Ile. To our knowledge, this variant has not been reported in the literature. This variant is reported in 0.00088% of alleles in individuals of European (Non-Finnish) descent in gnomAD. At this time, the clinical significance of this variant is uncertain due to the absence of conclusive functional and genetic evidence.

NM_001394062.1(MACF1):c.596C>T (p.Thr199Ile)

Gene: MACF1 (microtubule actin crosslinking factor 1; plus strand). Cytogenetic location: 1p34.3.
Variant type: single nucleotide variant.
Coding change: c.596C>T on transcript NM_001394062.1 (MANE Select); coding-DNA position 596, C replaced by T.
Protein change: p.Thr199Ile; replaces threonine 199 with isoleucine.
Molecular consequence: missense variant.
Genome position (GRCh38, 1-based): chr1:39,282,275, C>T. VCF-style: chr1-39282275-C-T. GRCh37 (hg19) VCF-style: chr1-39747947-C-T.
Other names: c.611C>T, p.Thr204Ile (NM_012090.5); short protein forms T199I, T204I.
Identifiers: ClinVar variation 3051161 (VCV003051161.2), dbSNP rs1172957851, ClinGen allele CA339750692.